The following is an entry in ClinVar:

ClinVar aggregate classification (germline): Likely benign (1 of 4 stars; one submission).

Allele frequency attached by ClinVar (database versions not stated): 1000 Genomes Project 30x 0.00671; gnomAD 0.00696 and 0.00759; 1000 Genomes Project 0.00699; TOPMed 0.00776.
gnomAD v4.1: 1,050 of 152,246 alleles (0.69%); highest among the groups gnomAD compares: African/African-American, 2.4%; 13 homozygotes.

Submission:

GeneDx
Classification: Likely benign. Last evaluated: 2018-06-16. Review status: criteria provided, single submitter. Criteria: GeneDx Variant Classification (06012015). Collection method: clinical testing. Allele origin: germline. Affected: yes.
Comment: This variant is considered likely benign or benign based on one or more of the following criteria: it is a conservative change, it occurs at a poorly conserved position in the protein, it is predicted to be benign by multiple in silico algorithms, and/or has population frequency not consistent with disease.

NM_014244.5(ADAMTS2):c.1629+199G>T

Gene: ADAMTS2 (ADAM metallopeptidase with thrombospondin type 1 motif 2; minus strand). Cytogenetic location: 5q35.3.
Variant type: single nucleotide variant.
Coding change: c.1629+199G>T on transcript NM_014244.5 (MANE Select); 199 bases into the intron after coding-DNA position 1629, G replaced by T.
Molecular consequence: intron variant.
Genome position (GRCh38, 1-based): chr5:179,151,943, C>A on the plus strand (G>T on the coding strand, the complement: ADAMTS2 is on the minus strand). VCF-style: chr5-179151943-C-A. GRCh37 (hg19) VCF-style: chr5-178578944-C-A.
Other names: c.1629+199G>T (NM_021599.4).
Identifiers: ClinVar variation 678748 (VCV000678748.1), dbSNP rs73807258, ClinGen allele CA133049296.